The following is an entry in ClinVar:

ClinVar aggregate classification (germline): Pathogenic (1 of 4 stars; one submission).

Conditions:
Neurofibromatosis, type 1 (NF1). Also called: NEUROFIBROMATOSIS, TYPE I, SOMATIC; VON RECKLINGHAUSEN DISEASE; Peripheral type neurofibromatosis; Neurofibromatosis, type I. Identifiers: Orphanet 636, MedGen C0027831, MONDO:0018975, OMIM 162200. Disease mechanism: loss of function.

Submission:

Labcorp Genetics (formerly Invitae), Labcorp
Classification: Pathogenic for Neurofibromatosis, type 1. Last evaluated: 2025-09-22. Review status: criteria provided, single submitter. Criteria: Invitae Variant Classification Sherloc (09022015). Collection method: clinical testing. Allele origin: germline.
Comment: This sequence change creates a premature translational stop signal (p.Met2053Leufs*9) in the NF1 gene. It is expected to result in an absent or disrupted protein product. Loss-of-function variants in NF1 are known to be pathogenic (PMID: 10712197, 23913538). This variant is not present in population databases (gnomAD no frequency). This variant has not been reported in the literature in individuals affected with NF1-related conditions. Studies have shown that this premature translational stop signal is associated with inconclusive levels of altered splicing (internal data). For these reasons, this variant has been classified as Pathogenic.

Literature cited by the submitters: PubMed 10712197; PubMed 23913538.

NM_001042492.3(NF1):c.6217_6218dup (p.Met2074fs)

Gene: NF1 (neurofibromin 1; plus strand). Cytogenetic location: 17q11.2.
Variant type: Duplication.
Coding change: c.6217_6218dup on transcript NM_001042492.3 (MANE Select); coding-DNA positions 6217 to 6218, 2 bases duplicated (CT; older notation c.6217_6218dupCT).
Protein change: p.Met2074fs; shifts the reading frame from methionine 2074.
Molecular consequence: frameshift variant.
Genome position (GRCh38, 1-based): chr17:31,336,704-31,336,705, CT duplicated; duplicating any 2 consecutive bases within chr17:31,336,703-31,336,705 gives the same sequence; the c. name uses the placement nearest the transcript's 3' end. VCF-style (leftmost placement, unchanged base first): chr17-31336702-A-ATC. GRCh37 (hg19) VCF-style: chr17-29663720-A-ATC.
Other names: c.6154_6155dup, p.Met2053fs (NM_000267.4); short protein forms M2074fs, M2053fs.
Identifiers: ClinVar variation 4727611 (VCV004727611.1).
Genomic context (GRCh38, chr17:31,336,702, plus strand): 5'-GAAGGATGTGCAAAATAATTGACAAGACATGCTTATCTCCAACTCCTACTTTAGAACAAC[A>ATC]TCTTATGTGGGATGATATTGCTATTTTAGCACGCTACATGCTGATGCTGTCCTTCAACAA-3'